The following is an entry in ClinVar:

NM_001382567.1(STIM1):c.725AGA[1] (p.Lys243del)

Gene: STIM1 (stromal interaction molecule 1; plus strand). Cytogenetic location: 11p15.4.
Variant type: Microsatellite.
Coding change: c.725AGA[1] on transcript NM_001382567.1 (MANE Select); one copy of the 3-base unit AGA starting at c.725; the reference has two copies in a row; one copy, 3 bases deleted.
Protein change: p.Lys243del; deletes lysine 243.
Molecular consequence: inframe deletion. On other transcripts: non-coding transcript variant (2).
Genome position (GRCh38, 1-based): chr11:4,070,140-4,070,142, AGA deleted; deleting any 3 consecutive bases within chr11:4,070,135-4,070,142 gives the same sequence; the position shown is the placement nearest the transcript's 3' end. VCF-style (leftmost placement, unchanged base first): chr11-4070134-TGAA-T. GRCh37 (hg19) VCF-style: chr11-4091364-TGAA-T.
Other names: c.725AGA[1], p.Lys243del (NM_001277961.3, NM_001277962.2, NM_001382568.1 and 2 more transcripts); c.503AGA[1], p.Lys169del (NM_001382566.1, NM_001382573.1, NM_001382574.1 and 5 more transcripts); c.590AGA[1], p.Lys198del (NM_001382569.1); c.497AGA[1], p.Lys167del (NM_001382570.1); c.245AGA[1], p.Lys83del (NM_001382571.1); c.236AGA[1], p.Lys80del (NM_001382580.1, NM_001382581.1); c.728_730delAGA (NM_003156.3); short protein forms K243del, K167del, K169del, K198del, K80del, K83del.
Identifiers: ClinVar variation 580501 (VCV000580501.10), dbSNP rs1424195254, ClinGen allele CA597165599.

ClinVar aggregate classification (germline): Uncertain significance (1 of 4 stars; one submission).

Conditions:
Stormorken syndrome (STRMK). Also called: THROMBOCYTOPATHY, ASPLENIA, AND MIOSIS. Identifiers: Orphanet 3204, MedGen C1861451, MONDO:0008497, OMIM 185070.
Combined immunodeficiency due to STIM1 deficiency. Also called: IMMUNODEFICIENCY 10; STIM1 DEFICIENCY. Identifiers: Orphanet 169090, Orphanet 317430, MedGen C2748557, MONDO:0013008, OMIM 612783.
Myopathy with tubular aggregates (TAM). Also called: Tubular Aggregate Myopathy. Identifiers: Orphanet 2593, MedGen C0410207, MONDO:0008051.

Submission:

Labcorp Genetics (formerly Invitae), Labcorp
Classification: Uncertain significance for Myopathy with tubular aggregates; Combined immunodeficiency due to STIM1 deficiency; Stormorken syndrome. Last evaluated: 2025-08-18. Review status: criteria provided, single submitter. Criteria: Invitae Variant Classification Sherloc (09022015). Collection method: clinical testing. Allele origin: germline.
Comment: This variant, c.728_730del, results in the deletion of 1 amino acid(s) of the STIM1 protein (p.Lys243del), but otherwise preserves the integrity of the reading frame. This variant is present in population databases (no rsID available, gnomAD 0.3%). This variant has not been reported in the literature in individuals affected with STIM1-related conditions. Experimental studies and prediction algorithms are not available or were not evaluated, and the functional significance of this variant is currently unknown. In summary, the available evidence is currently insufficient to determine the role of this variant in disease. Therefore, it has been classified as a Variant of Uncertain Significance.